The following is an entry in ClinVar:

NM_006218.4(PIK3CA):c.809A>G (p.Tyr270Cys)

Gene: PIK3CA (phosphatidylinositol-4,5-bisphosphate 3-kinase catalytic subunit alpha; plus strand). Cytogenetic location: 3q26.32.
Variant type: single nucleotide variant.
Coding change: c.809A>G on transcript NM_006218.4 (MANE Select); coding-DNA position 809, A replaced by G.
Protein change: p.Tyr270Cys; replaces tyrosine 270 with cysteine.
Molecular consequence: missense variant.
Genome position (GRCh38, 1-based): chr3:179,201,536, A>G. VCF-style: chr3-179201536-A-G. GRCh37 (hg19) VCF-style: chr3-178919324-A-G.
Other names: short protein forms Y270C.
Identifiers: ClinVar variation 3225379 (VCV003225379.1), dbSNP rs2108390228, ClinGen allele CA355278580.

ClinVar aggregate classification (germline): Uncertain significance (1 of 4 stars; one submission).

Conditions:
Inborn genetic diseases. Identifiers: MedGen C0950123, MeSH D030342.

Submission:

Ambry Genetics
Classification: Uncertain significance for Inborn genetic diseases. Last evaluated: 2023-11-29. Review status: criteria provided, single submitter. Criteria: Ambry Variant Classification Scheme 2023. Collection method: clinical testing. Allele origin: germline.
Comment: The p.Y270C variant (also known as c.809A>G), located in coding exon 3 of the PIK3CA gene, results from an A to G substitution at nucleotide position 809. The tyrosine at codon 270 is replaced by cysteine, an amino acid with highly dissimilar properties. This amino acid position is conserved. In addition, this alteration is predicted to be deleterious by in silico analysis. Since supporting evidence is limited at this time, the clinical significance of this alteration remains unclear.